The following is an entry in ClinVar:

ClinVar aggregate classification (germline): Uncertain significance (1 of 4 stars; one submission).

Conditions:
NOTCH1-related disorder. Also called: NOTCH1-related disorders; NOTCH1-related condition.

Submission:

PreventionGenetics, part of Exact Sciences
Classification: Uncertain significance for NOTCH1-related condition. Last evaluated: 2025-10-14. Review status: criteria provided, single submitter. Criteria: ACMG Guidelines, 2015. Collection method: clinical testing. Allele origin: germline.
Comment: The NOTCH1 c.805G>T variant is predicted to result in the amino acid substitution p.Gly269Trp. To our knowledge, this variant has not been reported in the literature or in a large population database (gnomAD), indicating this variant is rare. At this time, the clinical significance of this variant is uncertain due to the absence of conclusive functional and genetic evidence.

NM_017617.5(NOTCH1):c.805G>T (p.Gly269Trp)

Gene: NOTCH1 (notch receptor 1; minus strand). Cytogenetic location: 9q34.3.
Variant type: single nucleotide variant.
Coding change: c.805G>T on transcript NM_017617.5 (MANE Select); coding-DNA position 805, G replaced by T.
Protein change: p.Gly269Trp; replaces glycine 269 with tryptophan.
Molecular consequence: missense variant.
Genome position (GRCh38, 1-based): chr9:136,519,503, C>A on the plus strand (G>T on the coding strand, the complement: NOTCH1 is on the minus strand). VCF-style: chr9-136519503-C-A. GRCh37 (hg19) VCF-style: chr9-139413955-C-A.
Other names: short protein forms G269W.
Identifiers: ClinVar variation 4983786 (VCV004983786.1).